The following is an entry in ClinVar:

ClinVar aggregate classification (germline): Uncertain significance. Review status: criteria provided, multiple submitters, no conflicts (2 of 4 stars). 2 submissions from 2 submitters: Uncertain significance (2). Last evaluated 2026-05-27.

Conditions:
SIX2-related disorder. Also called: SIX2-related condition.

gnomAD v4.1: 5 of 1,614,246 alleles (0.00031%); highest among the groups gnomAD compares: Admixed American, 0.0067%; no homozygotes.

Submissions (2):

PreventionGenetics, part of Exact Sciences
Classification: Uncertain significance for SIX2-related condition. Last evaluated: 2026-05-27. Review status: criteria provided, single submitter. Criteria: ACMG Guidelines, 2015. Collection method: clinical testing. Allele origin: germline.
Comment: The SIX2 c.810C>A variant is predicted to result in the amino acid substitution p.His270Gln. To our knowledge, this variant has not been reported in the literature. This variant is reported in 0.0058% of alleles in individuals of Latino descent in gnomAD. At this time, the clinical significance of this variant is uncertain due to the absence of conclusive functional and genetic evidence.

Ambry Genetics
Classification: Uncertain significance. Last evaluated: 2025-12-22. Review status: criteria provided, single submitter. Criteria: Ambry Variant Classification Scheme 2023. Collection method: clinical testing. Allele origin: germline.

NM_016932.5(SIX2):c.810C>A (p.His270Gln)

Gene: SIX2 (SIX homeobox 2; minus strand). Cytogenetic location: 2p21.
Variant type: single nucleotide variant.
Coding change: c.810C>A on transcript NM_016932.5 (MANE Select); coding-DNA position 810, C replaced by A.
Protein change: p.His270Gln; replaces histidine 270 with glutamine.
Molecular consequence: missense variant.
Genome position (GRCh38, 1-based): chr2:45,006,236, G>T on the plus strand (C>A on the coding strand, the complement: SIX2 is on the minus strand). VCF-style: chr2-45006236-G-T. GRCh37 (hg19) VCF-style: chr2-45233375-G-T.
Other names: short protein forms H270Q.
Identifiers: ClinVar variation 4838097 (VCV004838097.2).